The following is an entry in ClinVar:

ClinVar aggregate classification (germline): Uncertain significance (1 of 4 stars; one submission).

Conditions:
Long QT syndrome (LQTS). Identifiers: MedGen C0023976, MeSH D008133, MONDO:0002442. Disease mechanism: loss of function. Inheritance: Various modes of inheritance.

Submissions (2):

Labcorp Genetics (formerly Invitae), Labcorp
Classification: Uncertain significance for Long QT syndrome. Last evaluated: 2023-08-11. Review status: criteria provided, single submitter. Criteria: Invitae Variant Classification Sherloc (09022015). Collection method: clinical testing. Allele origin: germline.
Comment: In summary, the available evidence is currently insufficient to determine the role of this variant in disease. Therefore, it has been classified as a Variant of Uncertain Significance. Algorithms developed to predict the effect of missense changes on protein structure and function output the following: SIFT: "Not Available"; PolyPhen-2: "Benign"; Align-GVGD: "Not Available". The glycine amino acid residue is found in multiple mammalian species, which suggests that this missense change does not adversely affect protein function. This variant has not been reported in the literature in individuals affected with KCNE1-related conditions. This variant is not present in population databases (gnomAD no frequency). This sequence change replaces glutamic acid, which is acidic and polar, with glycine, which is neutral and non-polar, at codon 124 of the KCNE1 protein (p.Glu124Gly).

Roden Lab, Vanderbilt University Medical Center
No classification provided (evidence only). Condition: Long QT syndrome 5. Review status: no classification provided. Collection method: in vitro. Allele origin: not applicable. Functional consequence: Effect on ion channel function. Not counted in ClinVar's aggregate classification.
ClinVar note: "not provided" was previously submitted as the classification for the variant. However, the classification appeared to be based only on an observation of functional data so it was converted to no classification on 2025-07-30.

NM_000219.6(KCNE1):c.371A>G (p.Glu124Gly)

Gene: KCNE1 (potassium voltage-gated channel subfamily E regulatory subunit 1; minus strand). Cytogenetic location: 21q22.12.
Variant type: single nucleotide variant.
Coding change: c.371A>G on transcript NM_000219.6 (MANE Select); coding-DNA position 371, A replaced by G.
Protein change: p.Glu124Gly; replaces glutamic acid 124 with glycine.
Molecular consequence: missense variant.
Genome position (GRCh38, 1-based): chr21:34,449,264, T>C on the plus strand (A>G on the coding strand, the complement: KCNE1 is on the minus strand). VCF-style: chr21-34449264-T-C. GRCh37 (hg19) VCF-style: chr21-35821562-T-C.
Other names: c.371A>G, p.Glu124Gly (NM_001127668.4, NM_001127669.4, NM_001127670.4 and 4 more transcripts); short protein forms E124G.
Identifiers: ClinVar variation 2919209 (VCV002919209.5), dbSNP rs1211576620, ClinGen allele CA410197916.